The following is an entry in ClinVar:

NM_015073.3(SIPA1L3):c.3717C>G (p.Ser1239Arg)

Gene: SIPA1L3 (signal induced proliferation associated 1 like 3; plus strand). Cytogenetic location: 19q13.13.
Variant type: single nucleotide variant.
Coding change: c.3717C>G on transcript NM_015073.3 (MANE Select); coding-DNA position 3717, C replaced by G.
Protein change: p.Ser1239Arg; replaces serine 1239 with arginine.
Molecular consequence: missense variant.
Genome position (GRCh38, 1-based): chr19:38,162,308, C>G. VCF-style: chr19-38162308-C-G. GRCh37 (hg19) VCF-style: chr19-38652948-C-G.
Other names: short protein forms S1239R.
Identifiers: ClinVar variation 4811730 (VCV004811730.1).

ClinVar aggregate classification (germline): Uncertain significance (1 of 4 stars; one submission).

gnomAD v4.1: 11 of 1,614,128 alleles (0.00068%); highest among the groups gnomAD compares: Non-Finnish European, 0.00093%; no homozygotes.

Submission:

Labcorp Genetics (formerly Invitae), Labcorp
Classification: Uncertain significance. Last evaluated: 2025-04-15. Review status: criteria provided, single submitter. Criteria: Invitae Variant Classification Sherloc (09022015). Collection method: clinical testing. Allele origin: germline.
Comment: This sequence change replaces serine, which is neutral and polar, with arginine, which is basic and polar, at codon 1239 of the SIPA1L3 protein (p.Ser1239Arg). This variant is present in population databases (rs138307488, gnomAD 0.0009%). This variant has not been reported in the literature in individuals affected with SIPA1L3-related conditions. An algorithm developed to predict the effect of missense changes on protein structure and function (PolyPhen-2) suggests that this variant is likely to be tolerated. In summary, the available evidence is currently insufficient to determine the role of this variant in disease. Therefore, it has been classified as a Variant of Uncertain Significance.